The following is an entry in ClinVar:

ClinVar aggregate classification (germline): Uncertain significance (1 of 4 stars; one submission).

Conditions:
CHARGE syndrome (CHARGE). Also called: Hittner Hirsch Kreh syndrome; CHARGE ASSOCIATION--COLOBOMA, HEART ANOMALY, CHOANAL ATRESIA, RETARDATION, GENITAL AND EAR ANOMALIES; Coloboma, heart anomaly, choanal atresia, retardation, genital and ear anomalies; CHARGE association; Hall-Hittner syndrome. Identifiers: Orphanet 138, MedGen C0265354, MONDO:0008965.

gnomAD v4.1: 8 of 1,613,234 alleles (0.0005%); highest among the groups gnomAD compares: Non-Finnish European, 0.00059%; no homozygotes.

Submission:

Labcorp Genetics (formerly Invitae), Labcorp
Classification: Uncertain significance for CHARGE syndrome. Last evaluated: 2023-05-18. Review status: criteria provided, single submitter. Criteria: Invitae Variant Classification Sherloc (09022015). Collection method: clinical testing. Allele origin: germline.
Comment: In summary, the available evidence is currently insufficient to determine the role of this variant in disease. Therefore, it has been classified as a Variant of Uncertain Significance. Advanced modeling of protein sequence and biophysical properties (such as structural, functional, and spatial information, amino acid conservation, physicochemical variation, residue mobility, and thermodynamic stability) performed at Invitae indicates that this missense variant is not expected to disrupt CHD7 protein function. This variant has not been reported in the literature in individuals affected with CHD7-related conditions. This variant is not present in population databases (gnomAD no frequency). This sequence change replaces isoleucine, which is neutral and non-polar, with lysine, which is basic and polar, at codon 156 of the CHD7 protein (p.Ile156Lys).

NM_017780.4(CHD7):c.467T>A (p.Ile156Lys)

Gene: CHD7 (chromodomain helicase DNA binding protein 7; plus strand). Cytogenetic location: 8q12.2.
Variant type: single nucleotide variant.
Coding change: c.467T>A on transcript NM_017780.4 (MANE Select); coding-DNA position 467, T replaced by A.
Protein change: p.Ile156Lys; replaces isoleucine 156 with lysine.
Molecular consequence: missense variant.
Genome position (GRCh38, 1-based): chr8:60,741,899, T>A. VCF-style: chr8-60741899-T-A. GRCh37 (hg19) VCF-style: chr8-61654458-T-A.
Other names: c.467T>A, p.Ile156Lys (NM_001316690.1); short protein forms I156K.
Identifiers: ClinVar variation 3022304 (VCV003022304.3), dbSNP rs2487263833, ClinGen allele CA371297482.
Genomic context (GRCh38, chr8:60,741,899, plus strand): 5'-AATCCTTTGTGGACAGCAGCTCCATGTGGGGCCCCAGGGCTGTTCAGGTACCAGACCAGA[T>A]ACGAGCCCCCTACCAGCAGCAGCAGCCACAGCCGCAGCCACCGCAGCCGGCTCCGTCGGG-3'
Protein context (NP_060250.2, residues 146-166): GPRAVQVPDQ[Ile156Lys]RAPYQQQQPQ